The following is an entry in ClinVar:

ClinVar aggregate classification (germline): Uncertain significance (1 of 4 stars; one submission).

Conditions:
Hereditary cancer-predisposing syndrome. Also called: Hereditary neoplastic syndrome; Neoplastic Syndromes, Hereditary; Tumor predisposition; Hereditary Cancer Syndrome. Identifiers: Orphanet 140162, MedGen C0027672, MeSH D009386, MONDO:0015356.

Submission:

Ambry Genetics
Classification: Uncertain significance for Hereditary cancer-predisposing syndrome. Last evaluated: 2025-08-08. Review status: criteria provided, single submitter. Criteria: Ambry Variant Classification Scheme 2023. Collection method: clinical testing. Allele origin: germline.
Comment: The p.S587N variant (also known as c.1760G>A), located in coding exon 14 of the APC gene, results from a G to A substitution at nucleotide position 1760. The serine at codon 587 is replaced by asparagine, an amino acid with highly similar properties. This amino acid position is conserved. In addition, in silico predictors for this gene do not accurately predict pathogenicity. Based on the available evidence, the clinical significance of this variant remains unclear.

NM_000038.6(APC):c.1760G>A (p.Ser587Asn)

Gene: APC (APC regulator of Wnt signaling pathway; plus strand). Cytogenetic location: 5q22.2.
Variant type: single nucleotide variant.
Coding change: c.1760G>A on transcript NM_000038.6 (MANE Select); coding-DNA position 1760, G replaced by A.
Protein change: p.Ser587Asn; replaces serine 587 with asparagine.
Molecular consequence: missense variant. On other transcripts: non-coding transcript variant (2).
Genome position (GRCh38, 1-based): chr5:112,834,967, G>A. VCF-style: chr5-112834967-G-A. GRCh37 (hg19) VCF-style: chr5-112170664-G-A.
Other names: c.1760G>A, p.Ser587Asn (NM_001127510.3, NM_001354895.2, NM_001407450.1); c.1706G>A, p.Ser569Asn (NM_001127511.3); c.1814G>A, p.Ser605Asn (NM_001354896.2, NM_001407447.1, NM_001407448.1 and 1 more transcripts); c.1790G>A, p.Ser597Asn (NM_001354897.2); c.1685G>A, p.Ser562Asn (NM_001354898.2); c.1739G>A, p.Ser580Asn (NM_001407451.1); c.1730G>A, p.Ser577Asn (NM_001407452.1); c.1583G>A, p.Ser528Asn (NM_001407453.1, NM_001354901.2); and 11 more; short protein forms S427N, S496N, S569N, S577N, S587N, S461N, S486N, S504N.
Identifiers: ClinVar variation 4121356 (VCV004121356.1).